The following is an entry in ClinVar:

ClinVar aggregate classification (germline): Uncertain significance (1 of 4 stars; one submission).

Conditions:
Megaconial type congenital muscular dystrophy (MDCMC). Also called: CHKB-Related Muscular Dystrophy; CHKB-Related Muscle Diseases; MUSCULAR DYSTROPHY, CONGENITAL, WITH MITOCHONDRIAL STRUCTURAL ABNORMALITIES. Identifiers: Orphanet 280671, MedGen C1865233, MONDO:0011246, OMIM 602541.

Submission:

Labcorp Genetics (formerly Invitae), Labcorp
Classification: Uncertain significance for Megaconial type congenital muscular dystrophy. Last evaluated: 2021-02-15. Review status: criteria provided, single submitter. Criteria: Invitae Variant Classification Sherloc (09022015). Collection method: clinical testing. Allele origin: germline.
Comment: This variant has not been reported in the literature in individuals with CHKB-related conditions. In summary, the available evidence is currently insufficient to determine the role of this variant in disease. Therefore, it has been classified as a Variant of Uncertain Significance. Algorithms developed to predict the effect of sequence changes on RNA splicing suggest that this variant may disrupt the consensus splice site, but this prediction has not been confirmed by published transcriptional studies. This variant is not present in population databases (ExAC no frequency). This sequence change falls in intron 7 of the CHKB gene. It does not directly change the encoded amino acid sequence of the CHKB protein.

NM_005198.5(CHKB):c.819-16_819-7del

Genes: CHKB (choline kinase beta; minus strand), CHKB-CPT1B (CHKB-CPT1B readthrough (NMD candidate); minus strand). Cytogenetic location: 22q13.33.
Variant type: Deletion.
Coding change: c.819-16_819-7del on transcript NM_005198.5 (MANE Select); 16 bases into the intron before coding-DNA position 819 through 7 bases into the intron before coding-DNA position 819, 10 bases deleted (CACCTTATTC; older notation c.819-16_819-7delCACCTTATTC).
Molecular consequence: intron variant.
Genome position (GRCh38, 1-based): chr22:50,580,089-50,580,098, GAATAAGGTG deleted on the plus strand (CACCTTATTC on the coding strand, the reverse complement: CHKB is on the minus strand); deleting any 10 consecutive bases within chr22:50,580,089-50,580,100 gives the same sequence; the c. name uses the placement nearest the transcript's 3' end. VCF-style (leftmost placement, unchanged base first): chr22-50580088-AGAATAAGGTG-A. GRCh37 (hg19) VCF-style: chr22-51018517-AGAATAAGGTG-A.
Identifiers: ClinVar variation 1465238 (VCV001465238.8), dbSNP rs2146652864, ClinGen allele CA2573158288.